The following is an entry in ClinVar:

ClinVar aggregate classification (germline): Uncertain significance (1 of 4 stars; one submission).

Submission:

GeneDx
Classification: Uncertain significance. Last evaluated: 2024-02-21. Review status: criteria provided, single submitter. Criteria: GeneDx Variant Classification Process June 2021. Collection method: clinical testing. Allele origin: germline. Affected: yes.
Comment: Not observed at significant frequency in large population cohorts (gnomAD); In silico analysis supports that this missense variant does not alter protein structure/function; Has not been previously published as pathogenic or benign to our knowledge

NM_000875.5(IGF1R):c.4006C>G (p.Leu1336Val)

Gene: IGF1R (insulin like growth factor 1 receptor; plus strand). Cytogenetic location: 15q26.3.
Variant type: single nucleotide variant.
Coding change: c.4006C>G on transcript NM_000875.5 (MANE Select); coding-DNA position 4006, C replaced by G.
Protein change: p.Leu1336Val; replaces leucine 1336 with valine.
Molecular consequence: missense variant.
Genome position (GRCh38, 1-based): chr15:98,957,344, C>G. VCF-style: chr15-98957344-C-G. GRCh37 (hg19) VCF-style: chr15-99500573-C-G.
Other names: c.4003C>G, p.Leu1335Val (NM_001291858.2); short protein forms L1335V, L1336V.
Identifiers: ClinVar variation 3340551 (VCV003340551.1).